The following is an entry in ClinVar:

NM_001145809.2(MYH14):c.647C>T (p.Ala216Val)

Gene: MYH14 (myosin heavy chain 14; plus strand). Cytogenetic location: 19q13.33.
Variant type: single nucleotide variant.
Coding change: c.647C>T on transcript NM_001145809.2 (MANE Select); coding-DNA position 647, C replaced by T.
Protein change: p.Ala216Val; replaces alanine 216 with valine.
Molecular consequence: missense variant.
Genome position (GRCh38, 1-based): chr19:50,223,303, C>T. VCF-style: chr19-50223303-C-T. GRCh37 (hg19) VCF-style: chr19-50726560-C-T.
Other names: c.647C>T, p.Ala216Val (NM_024729.4, NM_001077186.2); short protein forms A216V.
Identifiers: ClinVar variation 4686966 (VCV004686966.1).

ClinVar aggregate classification (germline): Uncertain significance (1 of 4 stars; one submission).

gnomAD v4.1: 1 of 1,602,488 alleles (0.000062%); highest among the groups gnomAD compares: Non-Finnish European, 0.000085%; no homozygotes.

Submission:

GeneDx
Classification: Uncertain significance. Last evaluated: 2025-07-22. Review status: criteria provided, single submitter. Criteria: GeneDx Variant Classification Process June 2021. Collection method: clinical testing. Allele origin: germline. Affected: yes.
Comment: Not observed at significant frequency in large population cohorts (gnomAD); In silico analysis supports that this missense variant has a deleterious effect on protein structure/function; Has not been previously published as pathogenic or benign to our knowledge